The following is an entry in ClinVar:

ClinVar aggregate classification (germline): Uncertain significance. Review status: criteria provided, multiple submitters, no conflicts (2 of 4 stars). 2 submissions from 2 submitters: Uncertain significance (2). Last evaluated 2025-11-19.

Conditions:
Arrhythmogenic right ventricular dysplasia 13. Also called: Arrhythmogenic right ventricular dysplasia, familial, 13; ARRHYTHMOGENIC RIGHT VENTRICULAR CARDIOMYOPATHY 13. Identifiers: MedGen C3810138, MONDO:0000908, OMIM 615616.

Allele frequency attached by ClinVar (database versions not stated): TOPMed below 0.00001; ExAC 0.00001; gnomAD 0.00001; gnomAD exomes 0.00001 and 0.00002.
gnomAD v4.1: 31 of 1,613,596 alleles (0.0019%); highest among the groups gnomAD compares: Non-Finnish European, 0.0024%; no homozygotes.

Submissions (2):

Labcorp Genetics (formerly Invitae), Labcorp
Classification: Uncertain significance for Arrhythmogenic right ventricular dysplasia 13. Last evaluated: 2025-11-19. Review status: criteria provided, single submitter. Criteria: Invitae Variant Classification Sherloc (09022015). Collection method: clinical testing. Allele origin: germline.
Comment: This sequence change replaces lysine, which is basic and polar, with arginine, which is basic and polar, at codon 706 of the CTNNA3 protein (p.Lys706Arg). This variant is present in population databases (rs758519231, gnomAD 0.002%). This variant has not been reported in the literature in individuals affected with CTNNA3-related conditions. ClinVar contains an entry for this variant (Variation ID: 842170). Invitae Evidence Modeling of protein sequence and biophysical properties (such as structural, functional, and spatial information, amino acid conservation, physicochemical variation, residue mobility, and thermodynamic stability) indicates that this missense variant is not expected to disrupt CTNNA3 protein function with a negative predictive value of 80%. In summary, the available evidence is currently insufficient to determine the role of this variant in disease. Therefore, it has been classified as a Variant of Uncertain Significance.

Ambry Genetics
Classification: Uncertain significance. Last evaluated: 2025-05-04. Review status: criteria provided, single submitter. Criteria: Ambry Variant Classification Scheme 2023. Collection method: clinical testing. Allele origin: germline.

NM_013266.4(CTNNA3):c.2117A>G (p.Lys706Arg)

Gene: CTNNA3 (catenin alpha 3; minus strand). Cytogenetic location: 10q21.3.
Variant type: single nucleotide variant.
Coding change: c.2117A>G on transcript NM_013266.4 (MANE Select); coding-DNA position 2117, A replaced by G.
Protein change: p.Lys706Arg; replaces lysine 706 with arginine.
Molecular consequence: missense variant.
Genome position (GRCh38, 1-based): chr10:66,069,350, T>C on the plus strand (A>G on the coding strand, the complement: CTNNA3 is on the minus strand). VCF-style: chr10-66069350-T-C. GRCh37 (hg19) VCF-style: chr10-67829108-T-C.
Other names: c.2117A>G, p.Lys706Arg (NM_001127384.3); short protein forms K706R.
Identifiers: ClinVar variation 842170 (VCV000842170.12), dbSNP rs758519231, ClinGen allele CA5519701.